The following is an entry in ClinVar:

ClinVar aggregate classification (germline): other (0 of 4 stars; one submission).

Conditions:
Familial colorectal cancer. Identifiers: MedGen CN280943, MONDO:0023113. Disease mechanism: loss of function.

Submission:

Systems Biology Platform Zhejiang California International NanoSystems Institute
Classification: other for Familial colorectal cancer. Review status: no assertion criteria provided. Collection method: not provided. Allele origin: unknown.
ClinVar note: Converted during submission from cancer to other.

NM_000038.6(APC):c.646-4019C>A

Gene: APC (APC regulator of WNT signaling pathway; plus strand). Cytogenetic location: 5q22.2.
Variant type: single nucleotide variant.
Coding change: c.646-4019C>A on transcript NM_000038.6 (MANE Select); 4019 bases into the intron before coding-DNA position 646, C replaced by A.
Molecular consequence: intron variant.
Genome position (GRCh38, 1-based): chr5:112,788,427, C>A. VCF-style: chr5-112788427-C-A. GRCh37 (hg19) VCF-style: chr5-112124124-C-A.
Other names: c.646-4019C>A (NM_001354895.2, NM_001127510.3, NM_001354896.2 and 1 more transcripts); c.676-4019C>A (NM_001354897.2, NM_001354902.2); c.675+7524C>A (NM_001127511.3); c.571-4019C>A (NM_001354898.2, NM_001354904.2); c.-390-4019C>A (NM_001354906.2); c.645+7524C>A (NM_001354899.2); c.469-4019C>A (NM_001354900.2, NM_001354901.2, NM_001354905.2).
Identifiers: ClinVar variation 82466 (VCV000082466.2), dbSNP rs79759582, ClinGen allele CA011915.